The following is an entry in ClinVar:

ClinVar aggregate classification (germline): Benign/Likely benign. Review status: criteria provided, multiple submitters, no conflicts (2 of 4 stars). 3 submissions from 3 submitters: Benign (1); Likely benign (2). Last evaluated 2025-09-22.

Conditions:
Hereditary cancer-predisposing syndrome. Also called: Tumor predisposition; Hereditary neoplastic syndrome; Hereditary Cancer Syndrome; Neoplastic Syndromes, Hereditary. Identifiers: Orphanet 140162, MedGen C0027672, MeSH D009386, MONDO:0015356.
BAP1-related tumor predisposition syndrome (TPDS1). Also called: Tumor susceptibility linked to germline BAP1 mutations; BAP1 tumor predisposition syndrome; TUMOR PREDISPOSITION SYNDROME 1; COMMON Syndrome. Identifiers: Orphanet 289539, MedGen C3280492, MONDO:0013692, OMIM 614327.

gnomAD v4.1: 1 of 1,614,098 alleles (0.000062%); highest among the groups gnomAD compares: Non-Finnish European, 0.000085%; no homozygotes.

Submissions (3):

Labcorp Genetics (formerly Invitae), Labcorp
Classification: Likely benign for BAP1-related tumor predisposition syndrome. Last evaluated: 2025-09-22. Review status: criteria provided, single submitter. Criteria: Invitae Variant Classification Sherloc (09022015). Collection method: clinical testing. Allele origin: germline.

Myriad Genetics, Inc.
Classification: Benign for BAP1-related tumor predisposition syndrome. Last evaluated: 2024-07-15. Review status: criteria provided, single submitter. Criteria: Myriad Autosomal Dominant, Autosomal Recessive and X-Linked Classification Criteria (2023). Collection method: clinical testing. Allele origin: unknown.
Comment: This variant is considered benign. This variant is a silent/synonymous amino acid change and it is not expected to impact splicing.

Ambry Genetics
Classification: Likely benign for Hereditary cancer-predisposing syndrome. Last evaluated: 2024-03-09. Review status: criteria provided, single submitter. Criteria: Ambry Variant Classification Scheme 2023. Collection method: clinical testing. Allele origin: germline.

NM_004656.4(BAP1):c.1035G>T (p.Gly345=)

Gene: BAP1 (BRCA1 associated deubiquitinase 1; minus strand). Cytogenetic location: 3p21.1.
Variant type: single nucleotide variant.
Coding change: c.1035G>T on transcript NM_004656.4 (MANE Select); coding-DNA position 1035, G replaced by T.
Protein change: p.Gly345=; no amino-acid change (glycine 345 retained).
Molecular consequence: synonymous variant.
Genome position (GRCh38, 1-based): chr3:52,405,191, C>A on the plus strand (G>T on the coding strand, the complement: BAP1 is on the minus strand). VCF-style: chr3-52405191-C-A. GRCh37 (hg19) VCF-style: chr3-52439207-C-A.
Other names: c.981G>T, p.Gly327= (NM_001410772.1).
Identifiers: ClinVar variation 3224420 (VCV003224420.4), dbSNP rs369744075, ClinGen allele CA433774918.